The following is an entry in ClinVar:

NM_001303052.2(MYT1L):c.2943G>C (p.Ala981=)

Gene: MYT1L (myelin transcription factor 1 like; minus strand). Cytogenetic location: 2p25.3.
Variant type: single nucleotide variant.
Coding change: c.2943G>C on transcript NM_001303052.2 (MANE Select); coding-DNA position 2943, G replaced by C.
Protein change: p.Ala981=; no amino-acid change (alanine 981 retained).
Molecular consequence: synonymous variant.
Genome position (GRCh38, 1-based): chr2:1,839,286, C>G on the plus strand (G>C on the coding strand, the complement: MYT1L is on the minus strand). VCF-style: chr2-1839286-C-G. GRCh37 (hg19) VCF-style: chr2-1843058-C-G.
Other names: c.2943G>C, p.Ala981= (NM_001329844.2, NM_001329845.1, NM_001329851.3); c.2937G>C, p.Ala979= (NM_001329846.3, NM_001329847.2, NM_001329848.1 and 3 more transcripts).
Identifiers: ClinVar variation 4821793 (VCV004821793.4).
Genomic context (GRCh38, chr2:1,839,286, plus strand): 5'-CTTGACCGACTTCCAGGAGAACTGGGAGCCATTCAGGTACCCGTCTTTCTGCCTCTTGGC[C>G]GCCAAGGGGCACCCGGAGGCGCTGCGATGGGACGCGTACTTCCCAGTGATGTGGCCCTGG-3'
Protein context (NP_001289981.1, residues 971-991): SHRSASGCPL[Ala981=]AKRQKDGYLN

ClinVar aggregate classification (germline): Likely benign (1 of 4 stars; one submission).

Submission:

CeGaT Center for Human Genetics Tuebingen
Classification: Likely benign. Last evaluated: 2026-04-01. Review status: criteria provided, single submitter. Criteria: CeGaT Center For Human Genetics Tuebingen Variant Classification Criteria Version 2. Collection method: clinical testing. Allele origin: germline. Affected: yes. Observed: 1 variant allele.
Comment: MYT1L: PM2:Supporting, BP4, BP7